The following is an entry in ClinVar:

NM_017635.5(KMT5B):c.2259C>T (p.Asn753=)

Gene: KMT5B (lysine methyltransferase 5B; minus strand). Cytogenetic location: 11q13.2.
Variant type: single nucleotide variant.
Coding change: c.2259C>T on transcript NM_017635.5 (MANE Select); coding-DNA position 2259, C replaced by T.
Protein change: p.Asn753=; no amino-acid change (asparagine 753 retained).
Molecular consequence: synonymous variant.
Genome position (GRCh38, 1-based): chr11:68,158,087, G>A on the plus strand (C>T on the coding strand, the complement: KMT5B is on the minus strand). VCF-style: chr11-68158087-G-A. GRCh37 (hg19) VCF-style: chr11-67925554-G-A.
Other names: c.1743C>T, p.Asn581= (NM_001300907.1, NM_001369428.1, NM_001369429.1 and 4 more transcripts); c.1539C>T, p.Asn513= (NM_001300908.2); c.2259C>T, p.Asn753= (NM_001369426.1).
Identifiers: ClinVar variation 3055931 (VCV003055931.2), dbSNP rs146549090, ClinGen allele CA6148031.

ClinVar aggregate classification (germline): Likely benign (0 of 4 stars; one submission).

Conditions:
KMT5B-related disorder. Also called: KMT5B-related condition.

Allele frequency attached by ClinVar (database versions not stated): gnomAD exomes 0.00014; ExAC 0.00032; gnomAD 0.00038; TOPMed 0.00039; ESP Exome Variant Server 0.00046; 1000 Genomes Project 30x 0.00078; 1000 Genomes Project 0.00080.
gnomAD v4.1: 256 of 1,614,078 alleles (0.016%); highest among the groups gnomAD compares: African/African-American, 0.13%; no homozygotes.

Submission:

PreventionGenetics, part of Exact Sciences
Classification: Likely benign for KMT5B-related condition. Last evaluated: 2019-05-01. Review status: no assertion criteria provided. Collection method: clinical testing. Allele origin: germline.
Comment: This variant is classified as likely benign based on ACMG/AMP sequence variant interpretation guidelines (Richards et al. 2015 PMID: 25741868, with internal and published modifications).